The following is an entry in ClinVar:

NM_181332.3(NLGN4X):c.1197G>C (p.Val399=)

Gene: NLGN4X (neuroligin 4 X-linked; minus strand). Cytogenetic location: Xp22.32.
Variant type: single nucleotide variant.
Coding change: c.1197G>C on transcript NM_181332.3 (MANE Select); coding-DNA position 1197, G replaced by C.
Protein change: p.Val399=; no amino-acid change (valine 399 retained).
Molecular consequence: synonymous variant.
Genome position (GRCh38, 1-based): chrX:5,903,481, C>G on the plus strand (G>C on the coding strand, the complement: NLGN4X is on the minus strand). VCF-style: chrX-5903481-C-G. GRCh37 (hg19) VCF-style: chrX-5821522-C-G.
Other names: c.1197G>C, p.Val399= (NM_001282145.2, NM_001282146.2, NM_020742.4).
Identifiers: ClinVar variation 748966 (VCV000748966.29), dbSNP rs1456373848, ClinGen allele CA515368755.

ClinVar aggregate classification (germline): Likely benign. Review status: criteria provided, multiple submitters, no conflicts (2 of 4 stars). 3 submissions from 3 submitters: Likely benign (3). Last evaluated 2023-10-01.

Conditions:
Inborn genetic diseases. Identifiers: MedGen C0950123, MeSH D030342.

Allele frequency attached by ClinVar (database versions not stated): gnomAD exomes 0.00001; TOPMed 0.00001.

Submissions (3):

CeGaT Center for Human Genetics Tuebingen
Classification: Likely benign. Last evaluated: 2023-10-01. Review status: criteria provided, single submitter. Criteria: CeGaT Center For Human Genetics Tuebingen Variant Classification Criteria Version 2. Collection method: clinical testing. Allele origin: germline. Affected: yes. Observed: 1 variant allele.
Comment: NLGN4X: BP4, BP7

Ambry Genetics
Classification: Likely benign for Inborn genetic diseases. Last evaluated: 2018-11-28. Review status: criteria provided, single submitter. Criteria: Ambry Variant Classification Scheme 2023. Collection method: clinical testing. Allele origin: germline.

Labcorp Genetics (formerly Invitae), Labcorp
Classification: Likely benign. Last evaluated: 2018-06-06. Review status: criteria provided, single submitter. Criteria: Invitae Variant Classification Sherloc (09022015). Collection method: clinical testing. Allele origin: germline.